The following is an entry in ClinVar:

NM_004370.6(COL12A1):c.2737A>G (p.Thr913Ala)

Gene: COL12A1 (collagen type XII alpha 1 chain; minus strand). Cytogenetic location: 6q13.
Variant type: single nucleotide variant.
Coding change: c.2737A>G on transcript NM_004370.6 (MANE Select); coding-DNA position 2737, A replaced by G.
Protein change: p.Thr913Ala; replaces threonine 913 with alanine.
Molecular consequence: missense variant. On other transcripts: intron variant (2).
Genome position (GRCh38, 1-based): chr6:75,165,753, T>C on the plus strand (A>G on the coding strand, the complement: COL12A1 is on the minus strand). VCF-style: chr6-75165753-T-C. GRCh37 (hg19) VCF-style: chr6-75875469-T-C.
Other names: c.2737A>G, p.Thr913Ala (NM_001424113.1, NM_001424114.1); c.2464A>G, p.Thr822Ala (NM_001424115.1); c.74-13271A>G (NM_001424116.1, NM_080645.3); short protein forms T822A, T913A.
Identifiers: ClinVar variation 3756056 (VCV003756056.2).

ClinVar aggregate classification (germline): Uncertain significance (1 of 4 stars; one submission).

Conditions:
Ullrich congenital muscular dystrophy 2 (UCMD2). Identifiers: Orphanet 75840, MedGen C4225314, MONDO:0014654, OMIM 616470.
Bethlem myopathy 2 (BTHLM2). Identifiers: Orphanet 536516, Orphanet 610, MedGen C4225313, MONDO:0034022, OMIM 616471.

gnomAD v4.1: 1 of 1,613,894 alleles (0.000062%); highest among the groups gnomAD compares: Non-Finnish European, 0.000085%; no homozygotes.

Submission:

Labcorp Genetics (formerly Invitae), Labcorp
Classification: Uncertain significance for Bethlem myopathy 2; Ullrich congenital muscular dystrophy 2. Last evaluated: 2024-04-25. Review status: criteria provided, single submitter. Criteria: Invitae Variant Classification Sherloc (09022015). Collection method: clinical testing. Allele origin: germline.
Comment: This sequence change replaces threonine, which is neutral and polar, with alanine, which is neutral and non-polar, at codon 913 of the COL12A1 protein (p.Thr913Ala). This variant is not present in population databases (gnomAD no frequency). This variant has not been reported in the literature in individuals affected with COL12A1-related conditions. Advanced modeling of protein sequence and biophysical properties (such as structural, functional, and spatial information, amino acid conservation, physicochemical variation, residue mobility, and thermodynamic stability) has been performed at Invitae for this missense variant, however the output from this modeling did not meet the statistical confidence thresholds required to predict the impact of this variant on COL12A1 protein function. In summary, the available evidence is currently insufficient to determine the role of this variant in disease. Therefore, it has been classified as a Variant of Uncertain Significance.